The following is an entry in ClinVar:

ClinVar aggregate classification (germline): Uncertain significance (1 of 4 stars; one submission).

gnomAD v4.1: 59 of 1,610,674 alleles (0.0037%); highest among the groups gnomAD compares: Admixed American, 0.01%; no homozygotes.

Submissions (3):

Labcorp Genetics (formerly Invitae), Labcorp
Classification: Uncertain significance. Last evaluated: 2025-07-27. Review status: criteria provided, single submitter. Criteria: Invitae Variant Classification Sherloc (09022015). Collection method: clinical testing. Allele origin: germline.
Comment: This sequence change affects codon 519 of the EPAS1 mRNA. It is a 'silent' change, meaning that it does not change the encoded amino acid sequence of the EPAS1 protein. This variant is present in population databases (rs766269243, gnomAD 0.009%). This variant has not been reported in the literature in individuals affected with EPAS1-related conditions. Algorithms developed to predict the effect of sequence changes on RNA splicing suggest that this variant may create or strengthen a splice site. In summary, the available evidence is currently insufficient to determine the role of this variant in disease. Therefore, it has been classified as a Variant of Uncertain Significance.

Dr. Peter K. Rogan Lab, Western University
No classification provided (evidence only). Condition: Familial cancer of breast. Review status: no classification provided. Collection method: in vitro. Allele origin: not applicable. Functional consequence: retained intron. Not counted in ClinVar's aggregate classification.

Dr. Peter K. Rogan Lab, Western University
No classification provided (evidence only). Condition: Thyroid cancer, nonmedullary, 1. Review status: no classification provided. Collection method: in vitro. Allele origin: not applicable. Functional consequence: retained intron. Not counted in ClinVar's aggregate classification.

NM_001430.5(EPAS1):c.1557G>A (p.Thr519=)

Gene: EPAS1 (endothelial PAS domain protein 1; plus strand). Cytogenetic location: 2p21.
Variant type: single nucleotide variant.
Coding change: c.1557G>A on transcript NM_001430.5 (MANE Select); coding-DNA position 1557, G replaced by A.
Protein change: p.Thr519=; no amino-acid change (threonine 519 retained).
Molecular consequence: synonymous variant.
Genome position (GRCh38, 1-based): chr2:46,380,229, G>A. VCF-style: chr2-46380229-G-A. GRCh37 (hg19) VCF-style: chr2-46607368-G-A.
Other names: NC_000002.11:g.46607368G>A.
Identifiers: ClinVar variation 4514449 (VCV004514449.2).